The following is an entry in ClinVar:

ClinVar aggregate classification (germline): Likely pathogenic. Review status: criteria provided, multiple submitters, no conflicts (2 of 4 stars). 2 submissions from 2 submitters: Likely pathogenic (2). Last evaluated 2023-07-17.

Conditions:
Familial thoracic aortic aneurysm and aortic dissection (TAAD). Also called: Thoracic aortic aneurysms and dissections. Identifiers: Orphanet 91387, MedGen C4707243, MONDO:0019625.
Loeys-Dietz syndrome 1 (LDS1). Also called: TGFBR1-Related Loeys-Dietz Syndrome; AORTIC ANEURYSM, FAMILIAL THORACIC 5; FURLONG SYNDROME. Identifiers: Orphanet 60030, MedGen C4551955, MONDO:0012212, OMIM 609192.

Submissions (2):

Victorian Clinical Genetics Services, Murdoch Childrens Research Institute
Classification: Likely pathogenic for Loeys-Dietz syndrome 1. Last evaluated: 2023-07-17. Review status: criteria provided, single submitter. Criteria: ACMG Guidelines, 2015. Collection method: clinical testing. Allele origin: germline. Inheritance: Autosomal dominant inheritance. Affected: yes.
Comment: Based on the classification scheme VCGS_Germline_v1.3.4, this variant is classified as Likely Pathogenic. Following criteria are met: 0102 - Loss of function is a known mechanism of disease in this gene and is associated with multiple self-healing squamous epithelioma (MIM#132800) (PMID: 21358634). Only missense variants with a suspected dominant negative mechanism of disease have been associated with Loeys–Dietz syndrome (MIM#609192) (PMID: 29706644). (I) 0107 - This gene is associated with autosomal dominant disease. (I) 0115 - Variants in this gene are known to have variable expressivity. There is considerable variability in the phenotype, from mild features to severe systemic abnormalities (PMID: 32339686). (I) 0200 - Variant is predicted to result in a missense amino acid change from histidine to tyrosine. (I) 0251 - This variant is heterozygous. (I) 0301 - Variant is absent from gnomAD (both v2 and v3). (SP) 0309 - An alternative amino acid change at the same position has been observed in gnomAD v2 (1 heterozygote, 0 homozygotes). (I) 0502 - Missense variant with conflicting in silico predictions and uninformative conservation. (I) 0600 - Variant is located in the annotated Protein kinase domain (DECIPHER). (I) 0704 – Another missense variant comparable to the one identified in this case has limited previous evidence for pathogenicity. p.(His315Arg) has been identified in two independent families. In one of these families, the variant was found to segregate with disease in three family members with thoracic aortic aneurysms and dissections (TAAD) (ClinVar, PMID: 19542084). (SP) 0803 - This variant has limited previous evidence of pathogenicity in an unrelated individual. This variant has been identified de novo in a Loeys Dietz syndrome affected individual (ClinVar). (SP) 0905 - No published segregation evidence has been identified for this variant. (I) 1007 - No published functional evidence has been identified for this variant. (I) 1208 - Inheritance information for this variant is not currently available in this individual. (I) Legend: (SP) - Supporting pathogenic, (I) - Information, (SB) - Supporting benign

Labcorp Genetics (formerly Invitae), Labcorp
Classification: Likely pathogenic for Familial thoracic aortic aneurysm and aortic dissection. Last evaluated: 2020-08-31. Review status: criteria provided, single submitter. Criteria: Invitae Variant Classification Sherloc (09022015). Collection method: clinical testing. Allele origin: germline.
Comment: This sequence change replaces histidine with tyrosine at codon 315 of the TGFBR1 protein (p.His315Tyr). The histidine residue is highly conserved and there is a moderate physicochemical difference between histidine and tyrosine. This variant is not present in population databases (ExAC no frequency). This variant has been observed in individual(s) with Loeys Dietz syndrome (Invitae). In at least one individual the variant was observed to be de novo. Algorithms developed to predict the effect of missense changes on protein structure and function are either unavailable or do not agree on the potential impact of this missense change (SIFT: "Tolerated"; PolyPhen-2: "Probably Damaging"; Align-GVGD: "Class C0"). This variant disrupts the p.His315 amino acid residue in TGFBR1. Other variant(s) that disrupt this residue have been observed in individuals with TGFBR1-related conditions (PMID: 19542084), which suggests that this may be a clinically significant amino acid residue. In summary, the currently available evidence indicates that the variant is pathogenic, but additional data are needed to prove that conclusively. Therefore, this variant has been classified as Likely Pathogenic.

Literature cited by the submitters: PubMed 19542084 (cited by Victorian Clinical Genetics Services, Murdoch Childrens Research Institute and Labcorp Genetics (formerly Invitae), Labcorp); PubMed 21358634 (cited by Victorian Clinical Genetics Services, Murdoch Childrens Research Institute); PubMed 29706644 (cited by Victorian Clinical Genetics Services, Murdoch Childrens Research Institute); PubMed 32339686 (cited by Victorian Clinical Genetics Services, Murdoch Childrens Research Institute).

NM_004612.4(TGFBR1):c.943C>T (p.His315Tyr)

Gene: TGFBR1 (transforming growth factor beta receptor 1; plus strand). Cytogenetic location: 9q22.33.
Variant type: single nucleotide variant.
Coding change: c.943C>T on transcript NM_004612.4 (MANE Select); coding-DNA position 943, C replaced by T.
Protein change: p.His315Tyr; replaces histidine 315 with tyrosine.
Molecular consequence: missense variant.
Genome position (GRCh38, 1-based): chr9:99,142,673, C>T. VCF-style: chr9-99142673-C-T. GRCh37 (hg19) VCF-style: chr9-101904955-C-T.
Other names: c.712C>T, p.His238Tyr (NM_001130916.3); c.955C>T, p.His319Tyr (NM_001306210.2); c.943C>T (NM_004612.3); short protein forms H238Y, H315Y, H319Y.
Identifiers: ClinVar variation 1067739 (VCV001067739.10), dbSNP rs2118780524, ClinGen allele CA374230780.